The following is an entry in ClinVar:

ClinVar aggregate classification (germline): Likely benign (1 of 4 stars; one submission).

Allele frequency attached by ClinVar (database versions not stated): gnomAD 0.00996 and 0.01063; 1000 Genomes Project 0.01078; TOPMed 0.01087; 1000 Genomes Project 30x 0.01234.
gnomAD v4.1: 1,498 of 152,306 alleles (0.98%); highest among the groups gnomAD compares: African/African-American, 3.4%; 24 homozygotes.

Submission:

GeneDx
Classification: Likely benign. Last evaluated: 2018-06-14. Review status: criteria provided, single submitter. Criteria: GeneDx Variant Classification (06012015). Collection method: clinical testing. Allele origin: germline. Affected: yes.
Comment: This variant is considered likely benign or benign based on one or more of the following criteria: it is a conservative change, it occurs at a poorly conserved position in the protein, it is predicted to be benign by multiple in silico algorithms, and/or has population frequency not consistent with disease.

NM_001148.6(ANK2):c.2901-267A>C

Gene: ANK2 (ankyrin 2; plus strand). Cytogenetic location: 4q26.
Variant type: single nucleotide variant.
Coding change: c.2901-267A>C on transcript NM_001148.6 (MANE Select); 267 bases into the intron before coding-DNA position 2901, A replaced by C.
Molecular consequence: intron variant.
Genome position (GRCh38, 1-based): chr4:113,329,979, A>C. VCF-style: chr4-113329979-A-C. GRCh37 (hg19) VCF-style: chr4-114251135-A-C.
Other names: c.2886-267A>C (NM_001386186.2, NM_001386148.2); c.2688-267A>C (NM_001354269.3); c.2865-267A>C (NM_001386187.2); c.2859-267A>C (NM_001386147.1, NM_001354261.2); c.2844-267A>C (NM_001386160.1); c.2850-267A>C (NM_001354254.2); c.2871-267A>C (NM_001354239.2, NM_001354252.2, NM_001354272.2); c.2835-267A>C (NM_001354244.2, NM_001354256.2, NM_001386161.1); and 23 more.
Identifiers: ClinVar variation 669896 (VCV000669896.1), dbSNP rs17045926, ClinGen allele CA103822403.
Genomic context (GRCh38, chr4:113,329,979, plus strand): 5'-TTCTTTATGTAATTTCATTCCATTTTCCTTCAAAATCAATTAGGCTTATTTTTAATTTAC[A>C]GTTTATATTGAACATCACCATTGTCAGCAAAAATTAGAATTATTCTTTACAGATTAAAAT-3'